The following is an entry in ClinVar:

ClinVar aggregate classification (germline): Uncertain significance (1 of 4 stars; one submission).

Conditions:
Inborn genetic diseases. Identifiers: MedGen C0950123, MeSH D030342.

Submission:

Ambry Genetics
Classification: Uncertain significance for Inborn genetic diseases. Last evaluated: 2022-11-24. Review status: criteria provided, single submitter. Criteria: Ambry Variant Classification Scheme 2023. Collection method: clinical testing. Allele origin: germline.
Comment: The p.V382G variant (also known as c.1145T>G), located in coding exon 9 of the EPAS1 gene, results from a T to G substitution at nucleotide position 1145. The valine at codon 382 is replaced by glycine, an amino acid with dissimilar properties. This amino acid position is conserved. In addition, this alteration is predicted to be tolerated by in silico analysis. Since supporting evidence is limited at this time, the clinical significance of this alteration remains unclear.

NM_001430.5(EPAS1):c.1145T>G (p.Val382Gly)

Gene: EPAS1 (endothelial PAS domain protein 1; plus strand). Cytogenetic location: 2p21.
Variant type: single nucleotide variant.
Coding change: c.1145T>G on transcript NM_001430.5 (MANE Select); coding-DNA position 1145, T replaced by G.
Protein change: p.Val382Gly; replaces valine 382 with glycine.
Molecular consequence: missense variant.
Genome position (GRCh38, 1-based): chr2:46,376,649, T>G. VCF-style: chr2-46376649-T-G. GRCh37 (hg19) VCF-style: chr2-46603788-T-G.
Other names: short protein forms V382G.
Identifiers: ClinVar variation 2450293 (VCV002450293.2), dbSNP rs2546471429, ClinGen allele CA346703283.